The following is an entry in ClinVar:

NM_005751.5(AKAP9):c.5099T>A (p.Phe1700Tyr)

Gene: AKAP9 (A-kinase anchoring protein 9; plus strand). Cytogenetic location: 7q21.2.
Variant type: single nucleotide variant.
Coding change: c.5099T>A on transcript NM_005751.5 (MANE Select); coding-DNA position 5099, T replaced by A.
Protein change: p.Phe1700Tyr; replaces phenylalanine 1700 with tyrosine.
Molecular consequence: missense variant.
Genome position (GRCh38, 1-based): chr7:92,042,708, T>A. VCF-style: chr7-92042708-T-A. GRCh37 (hg19) VCF-style: chr7-91672022-T-A.
Other names: c.5099T>A, p.Phe1700Tyr (NM_147185.3); short protein forms F1700Y.
Identifiers: ClinVar variation 1745310 (VCV001745310.2), dbSNP rs1806317286, ClinGen allele CA368130296.

ClinVar aggregate classification (germline): Uncertain significance (1 of 4 stars; one submission).

Conditions:
Cardiovascular phenotype. Identifiers: MedGen CN230736.

Allele frequency attached by ClinVar (database versions not stated): gnomAD 0.00001.
gnomAD v4.1: 1 of 1,611,876 alleles (0.000062%); highest among the groups gnomAD compares: African/African-American, 0.0013%; no homozygotes.

Submission:

Ambry Genetics
Classification: Uncertain significance for Cardiovascular phenotype. Last evaluated: 2020-03-19. Review status: criteria provided, single submitter. Criteria: Ambry Variant Classification Scheme 2023. Collection method: clinical testing. Allele origin: germline.
Comment: The p.F1700Y variant (also known as c.5099T>A), located in coding exon 20 of the AKAP9 gene, results from a T to A substitution at nucleotide position 5099. The phenylalanine at codon 1700 is replaced by tyrosine, an amino acid with highly similar properties. This amino acid position is not well conserved in available vertebrate species. In addition, this alteration is predicted to be tolerated by in silico analysis. Since supporting evidence is limited at this time, the clinical significance of this alteration remains unclear.